The following is an entry in ClinVar:

NM_182925.5(FLT4):c.1689G>A (p.Lys563=)

Gene: FLT4 (fms related receptor tyrosine kinase 4; minus strand). Cytogenetic location: 5q35.3.
Variant type: single nucleotide variant.
Coding change: c.1689G>A on transcript NM_182925.5 (MANE Select); coding-DNA position 1689, G replaced by A.
Protein change: p.Lys563=; no amino-acid change (lysine 563 retained).
Molecular consequence: synonymous variant.
Genome position (GRCh38, 1-based): chr5:180,621,873, C>T on the plus strand (G>A on the coding strand, the complement: FLT4 is on the minus strand). VCF-style: chr5-180621873-C-T. GRCh37 (hg19) VCF-style: chr5-180048873-C-T.
Other names: c.1689G>A, p.Lys563= (NM_001354989.2, NM_002020.5).
Identifiers: ClinVar variation 3061693 (VCV003061693.2), dbSNP rs2480926279, ClinGen allele CA448106364.

ClinVar aggregate classification (germline): Likely benign (0 of 4 stars; one submission).

Conditions:
FLT4-related disorder. Also called: FLT4-related condition.

Submission:

PreventionGenetics, part of Exact Sciences
Classification: Likely benign for FLT4-related condition. Last evaluated: 2021-05-26. Review status: no assertion criteria provided. Collection method: clinical testing. Allele origin: germline.
Comment: This variant is classified as likely benign based on ACMG/AMP sequence variant interpretation guidelines (Richards et al. 2015 PMID: 25741868, with internal and published modifications).